The following is an entry in ClinVar:

NM_001384474.1(LOXHD1):c.1431+1G>T

Gene: LOXHD1 (lipoxygenase homology PLAT domains 1; minus strand). Cytogenetic location: 18q21.1.
Variant type: single nucleotide variant.
Coding change: c.1431+1G>T on transcript NM_001384474.1 (MANE Select); the canonical splice donor site of the intron after coding-DNA position 1431, G replaced by T.
Molecular consequence: splice donor variant.
Genome position (GRCh38, 1-based): chr18:46,593,599, C>A on the plus strand (G>T on the coding strand, the complement: LOXHD1 is on the minus strand). VCF-style: chr18-46593599-C-A. GRCh37 (hg19) VCF-style: chr18-44173562-C-A.
Other names: c.1431+1G>T (NM_144612.7).
Identifiers: ClinVar variation 2769369 (VCV002769369.3), dbSNP rs1568207119, ClinGen allele CA402380552.

ClinVar aggregate classification (germline): Likely pathogenic (1 of 4 stars; one submission).

Submission:

Labcorp Genetics (formerly Invitae), Labcorp
Classification: Likely pathogenic. Last evaluated: 2023-10-17. Review status: criteria provided, single submitter. Criteria: Invitae Variant Classification Sherloc (09022015). Collection method: clinical testing. Allele origin: germline.
Comment: This sequence change affects a donor splice site in intron 10 of the LOXHD1 gene. It is expected to disrupt RNA splicing. Variants that disrupt the donor or acceptor splice site typically lead to a loss of protein function (PMID: 16199547), and loss-of-function variants in LOXHD1 are known to be pathogenic (PMID: 19732867, 21465660, 25792669). This variant is not present in population databases (gnomAD no frequency). This variant has not been reported in the literature in individuals affected with LOXHD1-related conditions. Algorithms developed to predict the effect of sequence changes on RNA splicing suggest that this variant may disrupt the consensus splice site. In summary, the currently available evidence indicates that the variant is pathogenic, but additional data are needed to prove that conclusively. Therefore, this variant has been classified as Likely Pathogenic.

Literature cited by the submitters: PubMed 16199547; PubMed 19732867; PubMed 21465660; PubMed 25792669.